The following is an entry in ClinVar:

ClinVar aggregate classification (germline): Uncertain significance. Review status: criteria provided, multiple submitters, no conflicts (2 of 4 stars). 2 submissions from 2 submitters: Uncertain significance (2). Last evaluated 2022-07-06.

Conditions:
Shprintzen-Goldberg syndrome (SGS). Also called: SHPRINTZEN-GOLDBERG CRANIOSYNOSTOSIS SYNDROME; CRANIOSYNOSTOSIS WITH ARACHNODACTYLY AND ABDOMINAL HERNIAS; Marfanoid disorder with craniosynostosis type 1; Marfanoid craniosynostosis syndrome; Shprintzen-Goldberg marfanoid syndrome. Identifiers: Orphanet 2462, MedGen C1321551, MONDO:0008426, OMIM 182212.

gnomAD v4.1: 1 of 1,589,864 alleles (0.000063%); highest among the groups gnomAD compares: Non-Finnish European, 0.000085%; no homozygotes.

Submissions (2):

Labcorp Genetics (formerly Invitae), Labcorp
Classification: Uncertain significance for Shprintzen-Goldberg syndrome. Last evaluated: 2022-07-06. Review status: criteria provided, single submitter. Criteria: Invitae Variant Classification Sherloc (09022015). Collection method: clinical testing. Allele origin: germline.
Comment: This variant has not been reported in the literature in individuals affected with SKI-related conditions. In summary, the available evidence is currently insufficient to determine the role of this variant in disease. Therefore, it has been classified as a Variant of Uncertain Significance. Advanced modeling of protein sequence and biophysical properties (such as structural, functional, and spatial information, amino acid conservation, physicochemical variation, residue mobility, and thermodynamic stability) performed at Invitae indicates that this missense variant is not expected to disrupt SKI protein function. ClinVar contains an entry for this variant (Variation ID: 393207). This variant is not present in population databases (gnomAD no frequency). This sequence change replaces valine, which is neutral and non-polar, with leucine, which is neutral and non-polar, at codon 596 of the SKI protein (p.Val596Leu).

GeneDx
Classification: Uncertain significance. Last evaluated: 2018-01-17. Review status: criteria provided, single submitter. Criteria: GeneDx Variant Classification (06012015). Collection method: clinical testing. Allele origin: germline. Affected: yes.
Comment: The V596L variant has not beenpublished as pathogenic or been reported as benign to our knowledge. It is not observed in the ExAC dataset (Lek etal., 2016). The V596L substitution occurs at a position that is conserved across species. However, this variant is aconservative amino acid substitution, which is not likely to impact secondary protein structure as these residues sharesimilar properties. In addition, in silico analysis is inconsistent in its predictions as to whether or not the variant isdamaging to the protein structure/function.

NM_003036.4(SKI):c.1786G>T (p.Val596Leu)

Gene: SKI (SKI proto-oncogene; plus strand). Cytogenetic location: 1p36.32.
Variant type: single nucleotide variant.
Coding change: c.1786G>T on transcript NM_003036.4 (MANE Select); coding-DNA position 1786, G replaced by T.
Protein change: p.Val596Leu; replaces valine 596 with leucine.
Molecular consequence: missense variant.
Genome position (GRCh38, 1-based): chr1:2,306,038, G>T. VCF-style: chr1-2306038-G-T. GRCh37 (hg19) VCF-style: chr1-2237477-G-T.
Other names: short protein forms V596L.
Identifiers: ClinVar variation 393207 (VCV000393207.6), dbSNP rs774196267, ClinGen allele CA16603585.